The following is an entry in ClinVar:

NM_001164508.2(NEB):c.11993del (p.Lys3998fs)

Gene: NEB (nebulin; minus strand). Cytogenetic location: 2q23.3.
Variant type: Deletion.
Coding change: c.11993del on transcript NM_001164508.2 (MANE Select); coding-DNA position 11993, one base deleted (A; older notation c.11993delA).
Protein change: p.Lys3998fs; shifts the reading frame from lysine 3998.
Molecular consequence: frameshift variant.
Genome position (GRCh38, 1-based): chr2:151,610,541, T deleted on the plus strand (A on the coding strand, the reverse complement: NEB is on the minus strand); the first of 2 consecutive T bases (chr2:151,610,541-151,610,542); deleting either gives the same sequence. VCF-style (leftmost placement, unchanged base first): chr2-151610540-CT-C. GRCh37 (hg19) VCF-style: chr2-152467054-CT-C.
Other names: c.11993del, p.Lys3998fs (NM_001164507.2, NM_001271208.2); c.11264del, p.Lys3755fs (NM_004543.5); short protein forms K3755fs, K3998fs.
Identifiers: ClinVar variation 5013952 (VCV005013952.1).

ClinVar aggregate classification (germline): Pathogenic (1 of 4 stars; one submission).

Conditions:
Nemaline myopathy 2 (NEM2). Also called: Nemaline myopathy 2, autosomal recessive. Identifiers: MedGen C1850569, MONDO:0009725, OMIM 256030.

Submission:

Myriad Genetics, Inc.
Classification: Pathogenic for Nemaline myopathy 2. Last evaluated: 2025-01-12. Review status: criteria provided, single submitter. Criteria: Myriad Autosomal Dominant, Autosomal Recessive and X-Linked Classification Criteria (2023). Collection method: clinical testing. Allele origin: unknown.
Comment: NM_001271208.1(NEB):c.11993delA(K3998Rfs*68) is expected to be pathogenic in the context of NEB-related nemaline myopathy. This variant is predicted to lead to an abnormal or absent protein product due to the creation of a premature termination codon in NEB, a gene where loss-of-function variants are known to be pathogenic. Please note: this variant was assessed in the context of healthy population screening.